The following is an entry in ClinVar:

ClinVar aggregate classification (germline): Uncertain significance (1 of 4 stars; one submission).

Conditions:
Developmental and epileptic encephalopathy, 18 (DEE18). Also called: Early infantile epileptic encephalopathy 18. Identifiers: Orphanet 369894, MedGen C3809624, MONDO:0014201, OMIM 615476.

Allele frequency attached by ClinVar (database versions not stated): TOPMed below 0.00001; gnomAD 0.00001; ExAC 0.00002.
gnomAD v4.1: 13 of 1,598,092 alleles (0.00081%); highest among the groups gnomAD compares: Admixed American, 0.0083%; no homozygotes.

Submission:

Institute of Human Genetics, University of Leipzig Medical Center
Classification: Uncertain significance for Developmental and epileptic encephalopathy, 18. Last evaluated: 2023-11-08. Review status: criteria provided, single submitter. Criteria: ACMG Guidelines, 2015. Collection method: clinical testing. Allele origin: paternal. Inheritance: Autosomal recessive inheritance. Affected: yes.
Comment: Criteria applied: PM2_SUP; Gnomad: The estimated probability that these variants occur in different haplotypes is 100%.

NM_001365999.1(SZT2):c.1858C>G (p.Leu620Val)

Gene: SZT2 (SZT2 subunit of KICSTOR complex; plus strand). Cytogenetic location: 1p34.2.
Variant type: single nucleotide variant.
Coding change: c.1858C>G on transcript NM_001365999.1 (MANE Select); coding-DNA position 1858, C replaced by G.
Protein change: p.Leu620Val; replaces leucine 620 with valine.
Molecular consequence: missense variant.
Genome position (GRCh38, 1-based): chr1:43,422,568, C>G. VCF-style: chr1-43422568-C-G. GRCh37 (hg19) VCF-style: chr1-43888239-C-G.
Other names: c.1858C>G, p.Leu620Val (NM_015284.4); short protein forms L620V.
Identifiers: ClinVar variation 2664965 (VCV002664965.2), dbSNP rs760332139, ClinGen allele CA808527.